The following is an entry in ClinVar:

NM_144573.4(NEXN):c.204C>T (p.Asn68=)

Gene: NEXN (nexilin F-actin binding protein; plus strand). Cytogenetic location: 1p31.1.
Variant type: single nucleotide variant.
Coding change: c.204C>T on transcript NM_144573.4 (MANE Select); coding-DNA position 204, C replaced by T.
Protein change: p.Asn68=; no amino-acid change (asparagine 68 retained).
Molecular consequence: synonymous variant. On other transcripts: intron variant (1).
Genome position (GRCh38, 1-based): chr1:77,917,742, C>T. VCF-style: chr1-77917742-C-T. GRCh37 (hg19) VCF-style: chr1-78383427-C-T.
Other names: c.28-218C>T (NM_001172309.2).
Identifiers: ClinVar variation 4860835 (VCV004860835.1).

ClinVar aggregate classification (germline): Uncertain significance (1 of 4 stars; one submission).

Conditions:
Cardiovascular phenotype. Identifiers: MedGen CN230736.

Submission:

Ambry Genetics
Classification: Uncertain significance for Cardiovascular phenotype. Last evaluated: 2026-06-04. Review status: criteria provided, single submitter. Criteria: Ambry Variant Classification Scheme 2023. Collection method: clinical testing. Allele origin: germline.
Comment: The c.204C>T variant (also known as p.N68N), located in coding exon 2 of the NEXN gene, results from a C to T substitution at nucleotide position 204. This nucleotide substitution does not change the amino acid at codon 68. This nucleotide position is well conserved in available vertebrate species. In silico splice site analysis for this alteration is inconclusive. Based on the available evidence, the clinical significance of this variant remains unclear.